The following is an entry in ClinVar:

ClinVar aggregate classification (germline): Benign (1 of 4 stars; one submission).

Conditions:
Frank-Ter Haar syndrome. Also called: BORRONE DERMATOCARDIOSKELETAL SYNDROME; TER HAAR SYNDROME; MELNICK-NEEDLES SYNDROME, AUTOSOMAL RECESSIVE; Borrone di Rocco Crovato syndrome. Identifiers: Orphanet 1266, Orphanet 137834, MedGen C1855305, MONDO:0009579, OMIM 249420.

Allele frequency attached by ClinVar (database versions not stated): 1000 Genomes Project 30x 0.71377; 1000 Genomes Project 0.71585; gnomAD exomes 0.63249; gnomAD 0.67325 and 0.67718; TOPMed 0.67325.
gnomAD v4.1: 630,921 of 985,482 alleles (64%); highest among the groups gnomAD compares: South Asian, 85%; 203,209 homozygotes.

Submission:

Illumina Laboratory Services, Illumina
Classification: Benign for Frank-Ter Haar syndrome. Last evaluated: 2018-01-12. Review status: criteria provided, single submitter. Criteria: ICSL Variant Classification Criteria 13 December 2019. Collection method: clinical testing. Allele origin: germline.
Comment: This variant was observed in the ICSL laboratory as part of a predisposition screen in an ostensibly healthy population. It had not been previously curated by ICSL or reported in the Human Gene Mutation Database (HGMD: prior to June 1st, 2018), and was therefore a candidate for classification through an automated scoring system. Utilizing variant allele frequency, disease prevalence and penetrance estimates, and inheritance mode, an automated score was calculated to assess if this variant is too frequent to cause the disease. Based on the score and internal cut-off values, a variant classified as benign is not then subjected to further curation. The score for this variant resulted in a classification of benign for this disease.

NM_001017995.3(SH3PXD2B):c.*3273G>T

Gene: SH3PXD2B (SH3 and PX domains 2B; minus strand). Cytogenetic location: 5q35.1.
Variant type: single nucleotide variant.
Coding change: c.*3273G>T on transcript NM_001017995.3 (MANE Select); 3273 bases downstream of the stop codon, G replaced by T.
Molecular consequence: 3 prime UTR variant. On other transcripts: intron variant (1).
Genome position (GRCh38, 1-based): chr5:172,335,096, C>A on the plus strand (G>T on the coding strand, the complement: SH3PXD2B is on the minus strand). VCF-style: chr5-172335096-C-A. GRCh37 (hg19) VCF-style: chr5-171762100-C-A.
Other names: c.1189-9716G>T (NM_001308175.2).
Identifiers: ClinVar variation 352747 (VCV000352747.5), dbSNP rs889023, ClinGen allele CA10621288.